The following is an entry in ClinVar:

NM_007375.4(TARDBP):c.945G>A (p.Ala315=)

Gene: TARDBP (TAR DNA binding protein; plus strand). Cytogenetic location: 1p36.22.
Variant type: single nucleotide variant.
Coding change: c.945G>A on transcript NM_007375.4 (MANE Select); coding-DNA position 945, G replaced by A.
Protein change: p.Ala315=; no amino-acid change (alanine 315 retained).
Molecular consequence: synonymous variant.
Genome position (GRCh38, 1-based): chr1:11,022,354, G>A. VCF-style: chr1-11022354-G-A. GRCh37 (hg19) VCF-style: chr1-11082411-G-A.
Other names: p.Ala315=.
Identifiers: ClinVar variation 374720 (VCV000374720.55), dbSNP rs145364830, ClinGen allele CA586468.

ClinVar aggregate classification (germline): Likely benign. Review status: criteria provided, multiple submitters, no conflicts (2 of 4 stars). 6 submissions from 6 submitters: Likely benign (6). Last evaluated 2025-09-11.

Conditions:
Amyotrophic lateral sclerosis type 10 (ALS10). Also called: AMYOTROPHIC LATERAL SCLEROSIS 10 WITHOUT FRONTOTEMPORAL DEMENTIA AND WITH TDP43 INCLUSIONS; AMYOTROPHIC LATERAL SCLEROSIS 10 WITH OR WITHOUT FRONTOTEMPORAL DEMENTIA AND WITH TDP43 INCLUSIONS; TARDBP-Related Amyotrophic Lateral Sclerosis-Frontotemporal Dementia; AMYOTROPHIC LATERAL SCLEROSIS 10 WITH OR WITHOUT FRONTOTEMPORAL DEMENTIA; Amyotrophic lateral sclerosis 10, with or without FTD. Identifiers: Orphanet 275872, Orphanet 803, MedGen C2677565, MONDO:0012790, OMIM 612069.
FRONTOTEMPORAL LOBAR DEGENERATION WITH TDP43 INCLUSIONS, TARDBP-RELATED. Also called: Frontotemporal lobar degeneration, TARDBP-related. Identifiers: MedGen C3150169, OMIM 612069.
Inborn genetic diseases. Identifiers: MedGen C0950123, MeSH D030342.

Allele frequency attached by ClinVar (database versions not stated): ESP Exome Variant Server 0.00008; gnomAD 0.00009 and 0.00010; TOPMed 0.00010; ExAC 0.00012; gnomAD exomes 0.00015.
gnomAD v4.1: 351 of 1,613,810 alleles (0.022%); highest among the groups gnomAD compares: South Asian, 0.036%; no homozygotes.

Submissions (6):

Mayo Clinic Laboratories, Mayo Clinic
Classification: Likely benign. Last evaluated: 2025-09-11. Review status: criteria provided, single submitter. Criteria: ACMG Guidelines, 2015. Collection method: clinical testing. Allele origin: germline. Observed: 1 variant allele.
Comment: BS2, BP4, BP7

Ambry Genetics
Classification: Likely benign for Inborn genetic diseases. Last evaluated: 2025-06-23. Review status: criteria provided, single submitter. Criteria: Ambry Variant Classification Scheme 2023. Collection method: clinical testing. Allele origin: germline.

Blueprint Genetics
Classification: Likely benign. Last evaluated: 2024-11-13. Review status: criteria provided, single submitter. Criteria: ACMG Guidelines, 2015. Collection method: clinical testing. Allele origin: germline.

Labcorp Genetics (formerly Invitae), Labcorp
Classification: Likely benign for Amyotrophic lateral sclerosis type 10; FRONTOTEMPORAL LOBAR DEGENERATION WITH TDP43 INCLUSIONS, TARDBP-RELATED. Last evaluated: 2023-12-18. Review status: criteria provided, single submitter. Criteria: Invitae Variant Classification Sherloc (09022015). Collection method: clinical testing. Allele origin: germline.

CeGaT Center for Human Genetics Tuebingen
Classification: Likely benign. Last evaluated: 2023-01-01. Review status: criteria provided, single submitter. Criteria: CeGaT Center For Human Genetics Tuebingen Variant Classification Criteria Version 2. Collection method: clinical testing. Allele origin: germline. Affected: yes. Observed: 3 variant alleles.
Comment: TARDBP: BP4, BP7

Illumina Laboratory Services, Illumina
Classification: Likely benign for Amyotrophic lateral sclerosis type 10. Last evaluated: 2017-04-27. Review status: criteria provided, single submitter. Criteria: ICSL Variant Classification Criteria 13 December 2019. Collection method: clinical testing. Allele origin: germline.
Comment: This variant was observed as part of a predisposition screen in an ostensibly healthy population. A literature search was performed for the gene, cDNA change, and amino acid change (where applicable). Publications were found based on this search. The evidence from the literature, in combination with allele frequency data from public databases where available, was sufficient to determine this variant is unlikely to cause disease. Therefore, this variant is classified as likely benign.

Literature cited by the submitters: PubMed 18372902 (cited by Mayo Clinic Laboratories, Mayo Clinic and Illumina Laboratory Services, Illumina); PubMed 18545701 (cited by Mayo Clinic Laboratories, Mayo Clinic and Illumina Laboratory Services, Illumina); PubMed 19224587 (cited by Mayo Clinic Laboratories, Mayo Clinic and Illumina Laboratory Services, Illumina); PubMed 19350673 (cited by Mayo Clinic Laboratories, Mayo Clinic); PubMed 23231971 (cited by Mayo Clinic Laboratories, Mayo Clinic and Illumina Laboratory Services, Illumina); PubMed 19808791 (cited by Illumina Laboratory Services, Illumina); PubMed 19864663 (cited by Illumina Laboratory Services, Illumina).